The following is an entry in ClinVar:

ClinVar aggregate classification (germline): Likely benign (1 of 4 stars; one submission).

Allele frequency attached by ClinVar (database versions not stated): TOPMed 0.00001; gnomAD 0.00002; ExAC 0.00006.
gnomAD v4.1: 32 of 1,614,248 alleles (0.002%); highest among the groups gnomAD compares: East Asian, 0.016%; no homozygotes.

Submission:

CeGaT Center for Human Genetics Tuebingen
Classification: Likely benign. Last evaluated: 2022-09-01. Review status: criteria provided, single submitter. Criteria: CeGaT Center For Human Genetics Tuebingen Variant Classification Criteria Version 2. Collection method: clinical testing. Allele origin: germline. Affected: yes. Observed: 1 variant allele.
Comment: ZMIZ1: BP4, BP7

NM_020338.4(ZMIZ1):c.603G>A (p.Ala201=)

Gene: ZMIZ1 (zinc finger MIZ-type containing 1; plus strand). Cytogenetic location: 10q22.3.
Variant type: single nucleotide variant.
Coding change: c.603G>A on transcript NM_020338.4 (MANE Select); coding-DNA position 603, G replaced by A.
Protein change: p.Ala201=; no amino-acid change (alanine 201 retained).
Molecular consequence: synonymous variant.
Genome position (GRCh38, 1-based): chr10:79,291,021, G>A. VCF-style: chr10-79291021-G-A. GRCh37 (hg19) VCF-style: chr10-81050778-G-A.
Identifiers: ClinVar variation 2640634 (VCV002640634.24), dbSNP rs745339623, ClinGen allele CA5572397.
Genomic context (GRCh38, chr10:79,291,021, plus strand): 5'-CCTTGGGAACCCTATGGCCAATGCCAACAACCCCATGAATCCAGGCGGCAACCCCATGGC[G>A]TCGGGCATGACCACCAGCAACCCAGGCCTCAACTCCCCACAGTTTGCGGGGCAGCAGCAG-3'
Protein context (NP_065071.1, residues 191-211): NPMNPGGNPM[Ala201=]SGMTTSNPGL